The following is an entry in ClinVar:

NM_007294.4(BRCA1):c.4485-9T>G

Gene: BRCA1 (BRCA1 DNA repair associated; minus strand). Cytogenetic location: 17q21.31.
Variant type: single nucleotide variant.
Coding change: c.4485-9T>G on transcript NM_007294.4 (MANE Select); 9 bases into the intron before coding-DNA position 4485, T replaced by G.
Molecular consequence: intron variant.
Genome position (GRCh38, 1-based): chr17:43,074,530, A>C on the plus strand (T>G on the coding strand, the complement: BRCA1 is on the minus strand). VCF-style: chr17-43074530-A-C. GRCh37 (hg19) VCF-style: chr17-41226547-A-C.
Other names: c.1032-9T>G (NM_001408458.1, NM_001408461.1, NM_001408464.1 and 7 more transcripts); c.3594-9T>G (NM_001407967.1); c.4104-9T>G (NM_001407959.1); c.4218-9T>G (NM_001407931.1, NM_001407932.1, NM_001407928.1 and 4 more transcripts); c.4341-9T>G (NM_001407747.1, NM_001407745.1, NM_001407737.1 and 21 more transcripts); c.4101-9T>G (NM_001407962.1, NM_001407960.1); c.672-9T>G (NM_001408512.1); c.795-9T>G (NM_001408510.1); and 71 more.
Identifiers: ClinVar variation 1352387 (VCV001352387.7), dbSNP rs2154025068, ClinGen allele CA2573154058.
Genomic context (GRCh38, chr17:43,074,530, plus strand): 5'-ACTGTGCATGTACCACCTATCATCTAATGATGGGCATTTAGAAGGGGATGACCTAGAAAG[A>C]TAAATGGAAGGAGAAAACCATCGCCACCAATTGTGAAAGGACAAATCATACTTGCTGGGC-3'

ClinVar aggregate classification (germline): Uncertain significance (1 of 4 stars; one submission).

Conditions:
Hereditary breast ovarian cancer syndrome. Also called: BRCA1- and BRCA2-Associated Hereditary Breast and Ovarian Cancer; Hereditary breast and ovarian cancer; Hereditary breast and ovarian cancer syndrome; Hereditary breast and ovarian cancer syndrome (HBOC); Breast and ovarian cancer; Hereditary breast and/or ovarian cancer syndrome. Identifiers: Orphanet 145, MedGen C0677776, MeSH D061325, MONDO:0003582. Disease mechanism: loss of function.

Submission:

Labcorp Genetics (formerly Invitae), Labcorp
Classification: Uncertain significance for Hereditary breast ovarian cancer syndrome. Last evaluated: 2021-12-11. Review status: criteria provided, single submitter. Criteria: Invitae Variant Classification Sherloc (09022015). Collection method: clinical testing. Allele origin: germline.
Comment: This sequence change falls in intron 13 of the BRCA1 gene. It does not directly change the encoded amino acid sequence of the BRCA1 protein. In summary, the available evidence is currently insufficient to determine the role of this variant in disease. Therefore, it has been classified as a Variant of Uncertain Significance. Studies have shown that this variant is associated with altered splicing, but the impact on the resulting protein product is unknown (Invitae). This variant has not been reported in the literature in individuals affected with BRCA1-related conditions. This variant is not present in population databases (gnomAD no frequency).